The following is an entry in ClinVar:

NM_177438.3(DICER1):c.2455T>A (p.Tyr819Asn)

Gene: DICER1 (dicer 1, ribonuclease III; minus strand). Cytogenetic location: 14q32.13.
Variant type: single nucleotide variant.
Coding change: c.2455T>A on transcript NM_177438.3 (MANE Select); coding-DNA position 2455, T replaced by A.
Protein change: p.Tyr819Asn; replaces tyrosine 819 with asparagine.
Molecular consequence: missense variant. On other transcripts: non-coding transcript variant (6).
Genome position (GRCh38, 1-based): chr14:95,108,075, A>T on the plus strand (T>A on the coding strand, the complement: DICER1 is on the minus strand). VCF-style: chr14-95108075-A-T. GRCh37 (hg19) VCF-style: chr14-95574412-A-T.
Other names: c.2455T>A, p.Tyr819Asn (NM_001195573.1, NM_001271282.3, NM_001291628.2 and 12 more transcripts); c.2173T>A, p.Tyr725Asn (NM_001395686.1); c.2050T>A, p.Tyr684Asn (NM_001395687.1, NM_001395688.1, NM_001395689.1 and 2 more transcripts); c.1888T>A, p.Tyr630Asn (NM_001395691.1); c.772T>A, p.Tyr258Asn (NM_001395697.1); short protein forms Y258N, Y819N, Y684N, Y630N, Y725N.
Identifiers: ClinVar variation 4746837 (VCV004746837.1).

ClinVar aggregate classification (germline): Uncertain significance (1 of 4 stars; one submission).

Conditions:
DICER1-related tumor predisposition. Also called: DICER1-related pleuropulmonary blastoma cancer predisposition syndrome; DICER1 syndrome. Identifiers: Orphanet 284343, MedGen C3839822, MONDO:0100216.

Submission:

Labcorp Genetics (formerly Invitae), Labcorp
Classification: Uncertain significance for DICER1-related tumor predisposition. Last evaluated: 2025-09-27. Review status: criteria provided, single submitter. Criteria: Invitae Variant Classification Sherloc (09022015). Collection method: clinical testing. Allele origin: germline.
Comment: This sequence change replaces tyrosine, which is neutral and polar, with asparagine, which is neutral and polar, at codon 819 of the DICER1 protein (p.Tyr819Asn). This variant is not present in population databases (gnomAD no frequency). This variant has not been reported in the literature in individuals affected with DICER1-related conditions. Invitae Evidence Modeling of protein sequence and biophysical properties (such as structural, functional, and spatial information, amino acid conservation, physicochemical variation, residue mobility, and thermodynamic stability) has been performed for this missense variant. However, the output from this modeling did not meet the statistical confidence thresholds required to predict the impact of this variant on DICER1 protein function. In summary, the available evidence is currently insufficient to determine the role of this variant in disease. Therefore, it has been classified as a Variant of Uncertain Significance.